The following is an entry in ClinVar:

ClinVar aggregate classification (germline): Uncertain significance (1 of 4 stars; one submission).

Conditions:
Left ventricular noncompaction 1 (LVNC1). Also called: LEFT VENTRICULAR NONCOMPACTION 1 WITH OR WITHOUT CONGENITAL HEART DEFECTS. Identifiers: Orphanet 54260, MedGen C1858725, MONDO:0011403, OMIM 604169.

Allele frequency attached by ClinVar (database versions not stated): gnomAD exomes below 0.00001; TOPMed 0.00001.
gnomAD v4.1: 1 of 1,613,928 alleles (0.000062%); highest among the groups gnomAD compares: African/African-American, 0.0013%; no homozygotes.

Submission:

Labcorp Genetics (formerly Invitae), Labcorp
Classification: Uncertain significance for Left ventricular noncompaction 1. Last evaluated: 2024-09-29. Review status: criteria provided, single submitter. Criteria: Invitae Variant Classification Sherloc (09022015). Collection method: clinical testing. Allele origin: germline.
Comment: This sequence change affects codon 422 of the DTNA mRNA. It is a 'silent' change, meaning that it does not change the encoded amino acid sequence of the DTNA protein. It affects a nucleotide within the consensus splice site. This variant is not present in population databases (gnomAD no frequency). This variant has not been reported in the literature in individuals affected with DTNA-related conditions. ClinVar contains an entry for this variant (Variation ID: 1905354). Algorithms developed to predict the effect of sequence changes on RNA splicing suggest that this variant is not likely to affect RNA splicing. In summary, the available evidence is currently insufficient to determine the role of this variant in disease. Therefore, it has been classified as a Variant of Uncertain Significance.

NM_001386795.1(DTNA):c.1347C>T (p.Cys449=)

Gene: DTNA (dystrobrevin alpha; plus strand). Cytogenetic location: 18q12.1.
Variant type: single nucleotide variant.
Coding change: c.1347C>T on transcript NM_001386795.1 (MANE Select); coding-DNA position 1347, C replaced by T.
Protein change: p.Cys449=; no amino-acid change (cysteine 449 retained).
Molecular consequence: synonymous variant. On other transcripts: intron variant (1).
Genome position (GRCh38, 1-based): chr18:34,848,296, C>T. VCF-style: chr18-34848296-C-T. GRCh37 (hg19) VCF-style: chr18-32428260-C-T.
Other names: c.1086C>T, p.Ser362= (NM_001198938.2, NM_001198939.2, NM_001198940.2 and 13 more transcripts); c.393C>T, p.Cys131= (NM_001198942.1); c.336C>T, p.Ser112= (NM_001198943.1); c.222C>T, p.Arg74= (NM_001198944.1); c.1176C>T, p.Arg392= (NM_001386754.1, NM_001386755.1, NM_001386756.1 and 5 more transcripts); c.1095C>T, p.Ser365= (NM_001386761.1, NM_001386762.1, NM_032975.4 and 1 more transcripts); c.1347C>T, p.Cys449= (NM_001386788.1); c.1266C>T, p.Cys422= (NM_001390.5, NM_001391.5); and 4 more.
Identifiers: ClinVar variation 1905354 (VCV001905354.5), dbSNP rs1031219673, ClinGen allele CA297787578.